The following is an entry in ClinVar:

ClinVar aggregate classification (germline): Conflicting classifications of pathogenicity. Review status: criteria provided, conflicting classifications (1 of 4 stars). 2 submissions from 2 submitters: Uncertain significance (1); Benign (1). Last evaluated 2026-02-24.

Conditions:
Familial thoracic aortic aneurysm and aortic dissection (TAAD). Also called: Thoracic aortic aneurysms and dissections. Identifiers: Orphanet 91387, MedGen C4707243, MONDO:0019625.
Ehlers-Danlos syndrome, classic type, 1 (EDSCL1). Also called: EDS I; EHLERS-DANLOS SYNDROME, GRAVIS TYPE; EHLERS-DANLOS SYNDROME, SEVERE CLASSIC TYPE; Ehlers-Danlos Syndrome, Classic Type, COL5A1-Related; Ehlers-Danlos syndrome, type 1. Identifiers: MedGen C0268335, MONDO:0019567, OMIM 130000.

Allele frequency attached by ClinVar (database versions not stated): TOPMed 0.00002; gnomAD 0.00003; ExAC 0.00002.
gnomAD v4.1: 31 of 1,614,014 alleles (0.0019%); highest among the groups gnomAD compares: African/African-American, 0.0027%; no homozygotes.

Submissions (2):

Ambry Genetics
Classification: Uncertain significance for Familial thoracic aortic aneurysm and aortic dissection. Last evaluated: 2026-02-24. Review status: criteria provided, single submitter. Criteria: Ambry Variant Classification Scheme 2023. Collection method: clinical testing. Allele origin: germline.
Comment: The p.P969A variant (also known as c.2905C>G), located in coding exon 37 of the COL5A1 gene, results from a C to G substitution at nucleotide position 2905. The proline at codon 969 is replaced by alanine, an amino acid with highly similar properties. This amino acid position is conserved. In addition, this alteration is predicted to be tolerated by in silico analysis. Based on the available evidence, the clinical significance of this variant remains unclear.

Labcorp Genetics (formerly Invitae), Labcorp
Classification: Benign for Ehlers-Danlos syndrome, classic type, 1. Last evaluated: 2025-06-22. Review status: criteria provided, single submitter. Criteria: Invitae Variant Classification Sherloc (09022015). Collection method: clinical testing. Allele origin: germline.

NM_000093.5(COL5A1):c.2905C>G (p.Pro969Ala)

Gene: COL5A1 (collagen type V alpha 1 chain; plus strand). Cytogenetic location: 9q34.3.
Variant type: single nucleotide variant.
Coding change: c.2905C>G on transcript NM_000093.5 (MANE Select); coding-DNA position 2905, C replaced by G.
Protein change: p.Pro969Ala; replaces proline 969 with alanine.
Molecular consequence: missense variant.
Genome position (GRCh38, 1-based): chr9:134,798,414, C>G. VCF-style: chr9-134798414-C-G. GRCh37 (hg19) VCF-style: chr9-137690260-C-G.
Other names: c.2905C>G (NM_000093.3); c.2905C>G, p.Pro969Ala (NM_001278074.1); short protein forms P969A.
Identifiers: ClinVar variation 657362 (VCV000657362.11), dbSNP rs759627305, ClinGen allele CA5319669.